The following is an entry in ClinVar:

ClinVar aggregate classification (germline): Pathogenic (1 of 4 stars; one submission).

Submission:

Illumina Laboratory Services, Illumina
Classification: Pathogenic. Last evaluated: 2022-09-21. Review status: criteria provided, single submitter. Criteria: ICSL CNVClassificationCriteria Aug2020. Collection method: clinical testing. Allele origin: unknown. Affected: yes.
Comment: The NSD1 c.3383del (p.Ser1128PhefsTer13) variant results in the deletion of a nucleotide at position c.3383, causing a shift in the protein reading frame that is predicted to result in premature termination of the protein. Loss of normal protein function through either protein truncation or nonsense-mediated mRNA decay is expected. To our knowledge, this variant has not been reported in the peer-reviewed literature. This variant is not found in version 2.1.1 or version 3.1.2 of the Genome Aggregation Database. This variant was identified in a de novo state. Based on the available evidence, the c.3383del (p.Ser1128PhefsTer13) variant is classified as pathogenic for Sotos syndrome.

NM_022455.5(NSD1):c.3383del (p.Ser1128fs)

Gene: NSD1 (nuclear receptor binding SET domain protein 1; plus strand). Cytogenetic location: 5q35.3.
Variant type: Deletion.
Coding change: c.3383del on transcript NM_022455.5 (MANE Select); coding-DNA position 3383, one base deleted (C; older notation c.3383delC).
Protein change: p.Ser1128fs; shifts the reading frame from serine 1128.
Molecular consequence: frameshift variant.
Genome position (GRCh38, 1-based): chr5:177,211,782, C deleted. VCF-style (leftmost placement, unchanged base first): chr5-177211781-TC-T. GRCh37 (hg19) VCF-style: chr5-176638782-TC-T.
Other names: c.2510delC, p.Ser837Phefs (NM_001365684.2, NM_001409306.1, NM_001409307.1 and 3 more transcripts); c.3383delC, p.Ser1128Phefs (NM_001409301.1, NM_001409302.1, NM_001409303.1); c.2963delC, p.Ser988Phefs (NM_001409304.1); c.2630delC, p.Ser877Phefs (NM_001409305.1); short protein forms S1128fs, S859fs.
Identifiers: ClinVar variation 2429385 (VCV002429385.3), dbSNP rs2480464795, ClinGen allele CA2580074138.